The following is an entry in ClinVar:

ClinVar aggregate classification (germline): Likely pathogenic (1 of 4 stars; one submission).

Conditions:
Marfan syndrome (MFS). Also called: MARFAN SYNDROME, TYPE I; Marfan syndrome type 1; Marfan's syndrome; Marfan syndrome, classic; FBN1-Related Marfan Syndrome. Identifiers: Orphanet 284963, Orphanet 558, MedGen C0024796, MONDO:0007947, OMIM 154700.
Familial thoracic aortic aneurysm and aortic dissection (TAAD). Also called: Thoracic aortic aneurysms and dissections. Identifiers: Orphanet 91387, MedGen C4707243, MONDO:0019625.

Submission:

Labcorp Genetics (formerly Invitae), Labcorp
Classification: Likely pathogenic for Marfan syndrome; Familial thoracic aortic aneurysm and aortic dissection. Last evaluated: 2025-07-13. Review status: criteria provided, single submitter. Criteria: Invitae Variant Classification Sherloc (09022015). Collection method: clinical testing. Allele origin: germline.
Comment: This sequence change replaces glycine, which is neutral and non-polar, with valine, which is neutral and non-polar, at codon 1206 of the FBN1 protein (p.Gly1206Val). This variant is not present in population databases (gnomAD no frequency). This variant has not been reported in the literature in individuals affected with FBN1-related conditions. ClinVar contains an entry for this variant (Variation ID: 2944575). Invitae Evidence Modeling of protein sequence and biophysical properties (such as structural, functional, and spatial information, amino acid conservation, physicochemical variation, residue mobility, and thermodynamic stability) indicates that this missense variant is expected to disrupt FBN1 protein function with a positive predictive value of 95%. This variant disrupts the p.Gly1206 amino acid residue in FBN1. Other variant(s) that disrupt this residue have been determined to be pathogenic (internal data). This suggests that this residue is clinically significant, and that variants that disrupt this residue are likely to be disease-causing. In summary, the currently available evidence indicates that the variant is pathogenic, but additional data are needed to prove that conclusively. Therefore, this variant has been classified as Likely Pathogenic.

NM_000138.5(FBN1):c.3617G>T (p.Gly1206Val)

Gene: FBN1 (fibrillin 1; minus strand). Cytogenetic location: 15q21.1.
Variant type: single nucleotide variant.
Coding change: c.3617G>T on transcript NM_000138.5 (MANE Select); coding-DNA position 3617, G replaced by T.
Protein change: p.Gly1206Val; replaces glycine 1206 with valine.
Molecular consequence: missense variant.
Genome position (GRCh38, 1-based): chr15:48,485,469, C>A on the plus strand (G>T on the coding strand, the complement: FBN1 is on the minus strand). VCF-style: chr15-48485469-C-A. GRCh37 (hg19) VCF-style: chr15-48777666-C-A.
Other names: c.3617G>T, p.Gly1206Val (NM_001406716.1); short protein forms G1206V.
Identifiers: ClinVar variation 2944575 (VCV002944575.3), dbSNP rs1555398409, ClinGen allele CA392324620.